The following is an entry in ClinVar:

ClinVar aggregate classification (germline): Uncertain significance (1 of 4 stars; one submission).

Submission:

Labcorp Genetics (formerly Invitae), Labcorp
Classification: Uncertain significance. Last evaluated: 2025-05-15. Review status: criteria provided, single submitter. Criteria: Invitae Variant Classification Sherloc (09022015). Collection method: clinical testing. Allele origin: germline.
Comment: This sequence change replaces glutamic acid, which is acidic and polar, with lysine, which is basic and polar, at codon 132 of the POLE protein (p.Glu132Lys). This variant is not present in population databases (gnomAD no frequency). This variant has not been reported in the literature in individuals affected with POLE-related conditions. ClinVar contains an entry for this variant (Variation ID: 1484838). Invitae Evidence Modeling of protein sequence and biophysical properties (such as structural, functional, and spatial information, amino acid conservation, physicochemical variation, residue mobility, and thermodynamic stability) indicates that this missense variant is not expected to disrupt POLE protein function with a negative predictive value of 80%. In summary, the available evidence is currently insufficient to determine the role of this variant in disease. Therefore, it has been classified as a Variant of Uncertain Significance.

NM_006231.4(POLE):c.394G>A (p.Glu132Lys)

Gene: POLE (DNA polymerase epsilon, catalytic subunit; minus strand). Cytogenetic location: 12q24.33.
Variant type: single nucleotide variant.
Coding change: c.394G>A on transcript NM_006231.4 (MANE Select); coding-DNA position 394, G replaced by A.
Protein change: p.Glu132Lys; replaces glutamic acid 132 with lysine.
Molecular consequence: missense variant.
Genome position (GRCh38, 1-based): chr12:132,679,983, C>T on the plus strand (G>A on the coding strand, the complement: POLE is on the minus strand). VCF-style: chr12-132679983-C-T. GRCh37 (hg19) VCF-style: chr12-133256569-C-T.
Other names: short protein forms E132K.
Identifiers: ClinVar variation 1484838 (VCV001484838.8), dbSNP rs1047199277, ClinGen allele CA387368057.